The following is an entry in ClinVar:

NM_201384.3(PLEC):c.3685C>T (p.Arg1229Trp)

Gene: PLEC (plectin; minus strand). Cytogenetic location: 8q24.3.
Variant type: single nucleotide variant.
Coding change: c.3685C>T on transcript NM_201384.3 (MANE Select); coding-DNA position 3685, C replaced by T.
Protein change: p.Arg1229Trp; replaces arginine 1229 with tryptophan.
Molecular consequence: missense variant.
Genome position (GRCh38, 1-based): chr8:143,927,481, G>A on the plus strand (C>T on the coding strand, the complement: PLEC is on the minus strand). VCF-style: chr8-143927481-G-A. GRCh37 (hg19) VCF-style: chr8-145001649-G-A.
Other names: c.3766C>T, p.Arg1256Trp (NM_000445.5); c.3643C>T, p.Arg1215Trp (NM_201378.4); c.3619C>T, p.Arg1207Trp (NM_201379.3); c.4096C>T, p.Arg1366Trp (NM_201380.4); c.3589C>T, p.Arg1197Trp (NM_201381.3); c.3685C>T, p.Arg1229Trp (NM_201382.4); c.3697C>T, p.Arg1233Trp (NM_201383.3); short protein forms R1256W, R1207W, R1233W, R1366W, R1197W, R1215W, R1229W.
Identifiers: ClinVar variation 471580 (VCV000471580.11), dbSNP rs781861123, ClinGen allele CA4926986.

ClinVar aggregate classification (germline): Uncertain significance. Review status: criteria provided, multiple submitters, no conflicts (2 of 4 stars). 3 submissions from 3 submitters: Uncertain significance (3). Last evaluated 2025-08-05.

Conditions:
Autosomal recessive limb-girdle muscular dystrophy type 2Q (LGMDR17). Also called: MUSCULAR DYSTROPHY, LIMB-GIRDLE, AUTOSOMAL RECESSIVE 17. Identifiers: Orphanet 254361, MedGen C3150989, MONDO:0013390, OMIM 613723.
Epidermolysis bullosa simplex 5C, with pyloric atresia (EBS5C). Also called: PLEC-Related Epidermolysis Bullosa with Pyloric Atresia; Epidermolysis bullosa simplex with pyloric atresia; PLEC1-Related Epidermolysis Bullosa with Pyloric Atresia. Identifiers: Orphanet 158684, MedGen C2677349, MONDO:0012807, OMIM 612138.
Epidermolysis bullosa simplex, Ogna type (EBS5A). Also called: Pidermolysis bullosa simplex 5A, Ogna type; EPIDERMOLYSIS BULLOSA SIMPLEX 5A, OGNA TYPE. Identifiers: Orphanet 79401, MedGen C0432317, MONDO:0007555, OMIM 131950.
Epidermolysis bullosa simplex 5B, with muscular dystrophy (EBS5B). Also called: EPIDERMOLYSIS BULLOSA SIMPLEX AND LIMB-GIRDLE MUSCULAR DYSTROPHY; Epidermolysis bullosa simplex with muscular dystrophy. Identifiers: Orphanet 257, MedGen C2931072, MONDO:0009181, OMIM 226670.
Epidermolysis bullosa simplex with nail dystrophy (EBS5D). Identifiers: MedGen C4225309, MONDO:0014661, OMIM 616487.

Allele frequency attached by ClinVar (database versions not stated): gnomAD exomes 0.00002 and 0.00005; TOPMed 0.00003; ExAC 0.00006; gnomAD 0.00008 and 0.00009.
gnomAD v4.1: 46 of 1,596,580 alleles (0.0029%); highest among the groups gnomAD compares: Middle Eastern, 0.017%; no homozygotes.

Submissions (3):

Labcorp Genetics (formerly Invitae), Labcorp
Classification: Uncertain significance for Autosomal recessive limb-girdle muscular dystrophy type 2Q; Epidermolysis bullosa simplex, Ogna type; Epidermolysis bullosa simplex with nail dystrophy; Epidermolysis bullosa simplex 5C, with pyloric atresia; Epidermolysis bullosa simplex 5B, with muscular dystrophy. Last evaluated: 2025-08-05. Review status: criteria provided, single submitter. Criteria: Invitae Variant Classification Sherloc (09022015). Collection method: clinical testing. Allele origin: germline.
Comment: This sequence change replaces arginine, which is basic and polar, with tryptophan, which is neutral and slightly polar, at codon 1256 of the PLEC protein (p.Arg1256Trp). This variant is present in population databases (rs781861123, gnomAD 0.006%). This variant has not been reported in the literature in individuals affected with PLEC-related conditions. ClinVar contains an entry for this variant (Variation ID: 471580). Invitae Evidence Modeling of protein sequence and biophysical properties (such as structural, functional, and spatial information, amino acid conservation, physicochemical variation, residue mobility, and thermodynamic stability) indicates that this missense variant is not expected to disrupt PLEC protein function with a negative predictive value of 80%. In summary, the available evidence is currently insufficient to determine the role of this variant in disease. Therefore, it has been classified as a Variant of Uncertain Significance.

Blueprint Genetics
Classification: Uncertain significance. Last evaluated: 2023-12-07. Review status: criteria provided, single submitter. Criteria: ACMG Guidelines, 2015. Collection method: clinical testing. Allele origin: germline.

Revvity Omics, Revvity
Classification: Uncertain significance. Last evaluated: 2019-05-09. Review status: criteria provided, single submitter. Criteria: ACMG Guidelines, 2015. Collection method: clinical testing. Allele origin: germline.